The following is an entry in ClinVar:

NM_001376.5(DYNC1H1):c.10984A>G (p.Ile3662Val)

Gene: DYNC1H1 (dynein cytoplasmic 1 heavy chain 1; plus strand). Cytogenetic location: 14q32.31.
Variant type: single nucleotide variant.
Coding change: c.10984A>G on transcript NM_001376.5 (MANE Select); coding-DNA position 10984, A replaced by G.
Protein change: p.Ile3662Val; replaces isoleucine 3662 with valine.
Molecular consequence: missense variant.
Genome position (GRCh38, 1-based): chr14:102,038,535, A>G. VCF-style: chr14-102038535-A-G. GRCh37 (hg19) VCF-style: chr14-102504872-A-G.
Other names: short protein forms I3662V.
Identifiers: ClinVar variation 3636176 (VCV003636176.2).
Genomic context (GRCh38, chr14:102,038,535, plus strand): 5'-GATCCAGTTTTGAACCCGGTGCTGAACCGTGAAGTGCGGCGAACAGGGGGGAGAGTGCTG[A>G]TCACTCTCGGGGACCAGGACATAGACCTGTCGCCATCGTTTGTCATCTTCCTGTCCACCC-3'
Protein context (NP_001367.2, residues 3652-3672): EVRRTGGRVL[Ile3662Val]TLGDQDIDLS

ClinVar aggregate classification (germline): Uncertain significance (1 of 4 stars; one submission).

Conditions:
Charcot-Marie-Tooth disease axonal type 2O. Also called: Charcot-Marie-Tooth disease, axonal, type 20; CHARCOT-MARIE-TOOTH NEUROPATHY, AXONAL, TYPE 2O; CHARCOT-MARIE-TOOTH DISEASE, AXONAL, AUTOSOMAL DOMINANT, TYPE 2O; Charcot-Marie-Tooth Neuropathy Type 2O. Identifiers: Orphanet 284232, MedGen C3280220, MONDO:0013644, OMIM 614228.

gnomAD v4.1: 2 of 1,614,144 alleles (0.00012%); highest among the groups gnomAD compares: African/African-American, 0.0027%; no homozygotes.

Submission:

Labcorp Genetics (formerly Invitae), Labcorp
Classification: Uncertain significance for Charcot-Marie-Tooth disease axonal type 2O. Last evaluated: 2025-02-02. Review status: criteria provided, single submitter. Criteria: Invitae Variant Classification Sherloc (09022015). Collection method: clinical testing. Allele origin: germline.
Comment: This sequence change replaces isoleucine, which is neutral and non-polar, with valine, which is neutral and non-polar, at codon 3662 of the DYNC1H1 protein (p.Ile3662Val). This variant is not present in population databases (gnomAD no frequency). This variant has not been reported in the literature in individuals affected with DYNC1H1-related conditions. Invitae Evidence Modeling of protein sequence and biophysical properties (such as structural, functional, and spatial information, amino acid conservation, physicochemical variation, residue mobility, and thermodynamic stability) indicates that this missense variant is not expected to disrupt DYNC1H1 protein function with a negative predictive value of 95%. In summary, the available evidence is currently insufficient to determine the role of this variant in disease. Therefore, it has been classified as a Variant of Uncertain Significance.